The following is an entry in ClinVar:

ClinVar aggregate classification (germline): Uncertain significance. Review status: criteria provided, multiple submitters, no conflicts (2 of 4 stars). 2 submissions from 2 submitters: Uncertain significance (2). Last evaluated 2024-11-30.

Conditions:
TP63-related disorder. Also called: TP63-related condition; TP63-Related Disorders. Identifiers: MedGen CN380159.
TP63-Related Spectrum Disorders.

gnomAD v4.1: 3 of 1,614,018 alleles (0.00019%); highest among the groups gnomAD compares: Non-Finnish European, 0.00025%; no homozygotes.

Submissions (2):

Labcorp Genetics (formerly Invitae), Labcorp
Classification: Uncertain significance. Last evaluated: 2024-11-30. Review status: criteria provided, single submitter. Criteria: Invitae Variant Classification Sherloc (09022015). Collection method: clinical testing. Allele origin: germline.
Comment: This sequence change replaces proline, which is neutral and non-polar, with arginine, which is basic and polar, at codon 528 of the TP63 protein (p.Pro528Arg). This variant is not present in population databases (gnomAD no frequency). This variant has not been reported in the literature in individuals affected with TP63-related conditions. ClinVar contains an entry for this variant (Variation ID: 2631266). Invitae Evidence Modeling of protein sequence and biophysical properties (such as structural, functional, and spatial information, amino acid conservation, physicochemical variation, residue mobility, and thermodynamic stability) indicates that this missense variant is not expected to disrupt TP63 protein function with a negative predictive value of 80%. In summary, the available evidence is currently insufficient to determine the role of this variant in disease. Therefore, it has been classified as a Variant of Uncertain Significance.

PreventionGenetics, part of Exact Sciences
Classification: Uncertain significance for TP63-related condition. Last evaluated: 2023-07-12. Review status: criteria provided, single submitter. Criteria: ACMG Guidelines, 2015. Collection method: clinical testing. Allele origin: germline.
Comment: The TP63 c.1583C>G variant is predicted to result in the amino acid substitution p.Pro528Arg. To our knowledge, this variant has not been reported in the literature or in a large population database, indicating this variant is rare. At this time, the clinical significance of this variant is uncertain due to the absence of conclusive functional and genetic evidence.

NM_003722.5(TP63):c.1583C>G (p.Pro528Arg)

Gene: TP63 (tumor protein p63; plus strand). Cytogenetic location: 3q28.
Variant type: single nucleotide variant.
Coding change: c.1583C>G on transcript NM_003722.5 (MANE Select); coding-DNA position 1583, C replaced by G.
Protein change: p.Pro528Arg; replaces proline 528 with arginine.
Molecular consequence: missense variant. On other transcripts: intron variant (4).
Genome position (GRCh38, 1-based): chr3:189,889,415, C>G. VCF-style: chr3-189889415-C-G. GRCh37 (hg19) VCF-style: chr3-189607204-C-G.
Other names: c.1046C>G, p.Pro349Arg (NM_001329146.2); c.1571C>G, p.Pro524Arg (NM_001329148.2); c.1577C>G, p.Pro526Arg (NM_001329964.2); c.1507+2864C>G (NM_001329144.2); c.1225+2864C>G (NM_001329145.2); c.1213+2864C>G (NM_001329149.2); c.958+2864C>G (NM_001329150.2); c.1583C>G, p.Pro528Arg (NM_001114978.2); and 1 more; short protein forms P349R, P434R, P524R, P526R, P528R.
Identifiers: ClinVar variation 2631266 (VCV002631266.2), dbSNP rs761041436, ClinGen allele CA355758404.
Genomic context (GRCh38, chr3:189,889,415, plus strand): 5'-CCCACATGCCAATGGCTGGAGACATGAATGGACTCAGCCCCACCCAGGCACTCCCTCCCC[C>G]ACTCTCCATGCCATCCACCTCCCACTGCACACCCCCACCTCCGTATCCCACAGATTGCAG-3'
Protein context (NP_003713.3, residues 518-538): GLSPTQALPP[Pro528Arg]LSMPSTSHCT